The following is an entry in ClinVar:

ClinVar aggregate classification (germline): Uncertain significance (1 of 4 stars; one submission).

Conditions:
Familial thoracic aortic aneurysm and aortic dissection (TAAD). Also called: Thoracic aortic aneurysms and dissections. Identifiers: Orphanet 91387, MedGen C4707243, MONDO:0019625.

Allele frequency attached by ClinVar (database versions not stated): TOPMed below 0.00001; ExAC 0.00001.
gnomAD v4.1: 1 of 1,614,140 alleles (0.000062%); no homozygotes.

Submission:

Labcorp Genetics (formerly Invitae), Labcorp
Classification: Uncertain significance for Familial thoracic aortic aneurysm and aortic dissection. Last evaluated: 2023-12-18. Review status: criteria provided, single submitter. Criteria: Invitae Variant Classification Sherloc (09022015). Collection method: clinical testing. Allele origin: germline.
Comment: This sequence change replaces alanine, which is neutral and non-polar, with glycine, which is neutral and non-polar, at codon 131 of the TGFBR1 protein (p.Ala131Gly). This variant is present in population databases (rs770511883, gnomAD no frequency). This variant has not been reported in the literature in individuals affected with TGFBR1-related conditions. ClinVar contains an entry for this variant (Variation ID: 2086803). Advanced modeling of protein sequence and biophysical properties (such as structural, functional, and spatial information, amino acid conservation, physicochemical variation, residue mobility, and thermodynamic stability) performed at Invitae indicates that this missense variant is not expected to disrupt TGFBR1 protein function with a negative predictive value of 95%. In summary, the available evidence is currently insufficient to determine the role of this variant in disease. Therefore, it has been classified as a Variant of Uncertain Significance.

NM_004612.4(TGFBR1):c.392C>G (p.Ala131Gly)

Gene: TGFBR1 (transforming growth factor beta receptor 1; plus strand). Cytogenetic location: 9q22.33.
Variant type: single nucleotide variant.
Coding change: c.392C>G on transcript NM_004612.4 (MANE Select); coding-DNA position 392, C replaced by G.
Protein change: p.Ala131Gly; replaces alanine 131 with glycine.
Molecular consequence: missense variant. On other transcripts: intron variant (1).
Genome position (GRCh38, 1-based): chr9:99,132,557, C>G. VCF-style: chr9-99132557-C-G. GRCh37 (hg19) VCF-style: chr9-101894839-C-G.
Other names: c.404C>G, p.Ala135Gly (NM_001306210.2, NM_001407416.1); c.392C>G, p.Ala131Gly (NM_001407417.1, NM_001407435.1); c.197C>G, p.Ala66Gly (NM_001407418.1, NM_001407419.1, NM_001407420.1 and 1 more transcripts); c.185C>G, p.Ala62Gly (NM_001407423.1, NM_001407424.1, NM_001407425.1 and 8 more transcripts); c.146C>G, p.Ala49Gly (NM_001407436.1); c.343+3457C>G (NM_001130916.3); short protein forms A135G, A131G, A49G, A62G, A66G.
Identifiers: ClinVar variation 2086803 (VCV002086803.4), dbSNP rs770511883, ClinGen allele CA042006.